The following is an entry in ClinVar:

NM_032043.3(BRIP1):c.2824T>C (p.Cys942Arg)

Gene: BRIP1 (BRCA1 interacting DNA helicase 1; minus strand). Cytogenetic location: 17q23.2.
Variant type: single nucleotide variant.
Coding change: c.2824T>C on transcript NM_032043.3 (MANE Select); coding-DNA position 2824, T replaced by C.
Protein change: p.Cys942Arg; replaces cysteine 942 with arginine.
Molecular consequence: missense variant.
Genome position (GRCh38, 1-based): chr17:61,685,917, A>G on the plus strand (T>C on the coding strand, the complement: BRIP1 is on the minus strand). VCF-style: chr17-61685917-A-G. GRCh37 (hg19) VCF-style: chr17-59763278-A-G.
Other names: short protein forms C942R.
Identifiers: ClinVar variation 582743 (VCV000582743.13), dbSNP rs1567731308, ClinGen allele CA400481439.

ClinVar aggregate classification (germline): Conflicting classifications of pathogenicity. Review status: criteria provided, conflicting classifications (1 of 4 stars). 3 submissions from 3 submitters: Uncertain significance (2); Likely benign (1). Last evaluated 2024-05-24.

Conditions:
Familial cancer of breast. Also called: hereditary breast carcinoma; BREAST CANCER, FAMILIAL; Hereditary breast cancer. Identifiers: Orphanet 227535, MedGen C0346153, MONDO:0016419, OMIM 114480. Disease mechanism: loss of function.
Fanconi anemia complementation group J. Also called: BRIP1-Related Fanconi Anemia. Identifiers: Orphanet 84, MedGen C1836860, MONDO:0012187, OMIM 609054.
Hereditary cancer-predisposing syndrome. Also called: Neoplastic Syndromes, Hereditary; Hereditary Cancer Syndrome; Tumor predisposition; Hereditary neoplastic syndrome. Identifiers: Orphanet 140162, MedGen C0027672, MeSH D009386, MONDO:0015356.

Allele frequency attached by ClinVar (database versions not stated): gnomAD exomes below 0.00001.
gnomAD v4.1: 3 of 1,614,082 alleles (0.00019%); highest among the groups gnomAD compares: Non-Finnish European, 0.00025%; no homozygotes.

Submissions (3):

Ambry Genetics
Classification: Likely benign for Hereditary cancer-predisposing syndrome. Last evaluated: 2024-05-24. Review status: criteria provided, single submitter. Criteria: Ambry Variant Classification Scheme 2023. Collection method: clinical testing. Allele origin: germline.

Labcorp Genetics (formerly Invitae), Labcorp
Classification: Uncertain significance for Familial cancer of breast; Fanconi anemia complementation group J. Last evaluated: 2024-03-30. Review status: criteria provided, single submitter. Criteria: Invitae Variant Classification Sherloc (09022015). Collection method: clinical testing. Allele origin: germline.
Comment: This sequence change replaces cysteine, which is neutral and slightly polar, with arginine, which is basic and polar, at codon 942 of the BRIP1 protein (p.Cys942Arg). This variant is not present in population databases (gnomAD no frequency). This variant has not been reported in the literature in individuals affected with BRIP1-related conditions. ClinVar contains an entry for this variant (Variation ID: 582743). Advanced modeling of protein sequence and biophysical properties (such as structural, functional, and spatial information, amino acid conservation, physicochemical variation, residue mobility, and thermodynamic stability) performed at Invitae indicates that this missense variant is not expected to disrupt BRIP1 protein function with a negative predictive value of 80%. In summary, the available evidence is currently insufficient to determine the role of this variant in disease. Therefore, it has been classified as a Variant of Uncertain Significance.

Baylor Genetics
Classification: Uncertain significance for Familial cancer of breast. Last evaluated: 2024-01-31. Review status: criteria provided, single submitter. Criteria: ACMG Guidelines, 2015. Collection method: clinical testing. Allele origin: unknown.